The following is an entry in ClinVar:

NM_000391.4(TPP1):c.1157C>T (p.Thr386Ile)

Gene: TPP1 (tripeptidyl peptidase 1; minus strand). Cytogenetic location: 11p15.4.
Variant type: single nucleotide variant.
Coding change: c.1157C>T on transcript NM_000391.4 (MANE Select); coding-DNA position 1157, C replaced by T.
Protein change: p.Thr386Ile; replaces threonine 386 with isoleucine.
Molecular consequence: missense variant.
Genome position (GRCh38, 1-based): chr11:6,615,551, G>A on the plus strand (C>T on the coding strand, the complement: TPP1 is on the minus strand). VCF-style: chr11-6615551-G-A. GRCh37 (hg19) VCF-style: chr11-6636782-G-A.
Other names: short protein forms T386I.
Identifiers: ClinVar variation 2084831 (VCV002084831.4), dbSNP rs1199840174, ClinGen allele CA379473164.

ClinVar aggregate classification (germline): Uncertain significance (1 of 4 stars; one submission).

Allele frequency attached by ClinVar (database versions not stated): gnomAD 0.00001.
gnomAD v4.1: 1 of 1,614,066 alleles (0.000062%); highest among the groups gnomAD compares: African/African-American, 0.0013%; no homozygotes.

Submission:

Labcorp Genetics (formerly Invitae), Labcorp
Classification: Uncertain significance. Last evaluated: 2022-03-15. Review status: criteria provided, single submitter. Criteria: Invitae Variant Classification Sherloc (09022015). Collection method: clinical testing. Allele origin: germline.
Comment: This variant has not been reported in the literature in individuals affected with TPP1-related conditions. In summary, the available evidence is currently insufficient to determine the role of this variant in disease. Therefore, it has been classified as a Variant of Uncertain Significance. Advanced modeling of protein sequence and biophysical properties (such as structural, functional, and spatial information, amino acid conservation, physicochemical variation, residue mobility, and thermodynamic stability) performed at Invitae indicates that this missense variant is expected to disrupt TPP1 protein function. This variant is not present in population databases (gnomAD no frequency). This sequence change replaces threonine, which is neutral and polar, with isoleucine, which is neutral and non-polar, at codon 386 of the TPP1 protein (p.Thr386Ile).